The following is an entry in ClinVar:

NM_002473.6(MYH9):c.720C>T (p.Arg240=)

Gene: MYH9 (myosin heavy chain 9; minus strand). Cytogenetic location: 22q12.3.
Variant type: single nucleotide variant.
Coding change: c.720C>T on transcript NM_002473.6 (MANE Select); coding-DNA position 720, C replaced by T.
Protein change: p.Arg240=; no amino-acid change (arginine 240 retained).
Molecular consequence: synonymous variant.
Genome position (GRCh38, 1-based): chr22:36,321,807, G>A on the plus strand (C>T on the coding strand, the complement: MYH9 is on the minus strand). VCF-style: chr22-36321807-G-A. GRCh37 (hg19) VCF-style: chr22-36717852-G-A.
Identifiers: ClinVar variation 258765 (VCV000258765.8), dbSNP rs556214390, ClinGen allele CA10210483.

ClinVar aggregate classification (germline): Benign/Likely benign. Review status: criteria provided, multiple submitters, no conflicts (2 of 4 stars). 5 submissions from 5 submitters: Benign (2); Likely benign (3). Last evaluated 2024-12-22.

Conditions:
Autosomal dominant nonsyndromic hearing loss 17. Also called: Deafness, autosomal dominant 17; Autosomal dominant nonsyndromic deafness 17. Identifiers: Orphanet 90635, MedGen C1863659, MONDO:0011350, OMIM 603622.
Macrothrombocytopenia and granulocyte inclusions with or without nephritis or sensorineural hearing loss (MATINS). Also called: BLEEDING DISORDER, PLATELET-TYPE, 6; DOHLE LEUKOCYTE INCLUSIONS WITH GIANT PLATELETS; MAY-HEGGLIN ANOMALY; MYH9-Related Disease (MYH9-RD); MACROTHROMBOCYTOPENIA WITH LEUKOCYTE INCLUSIONS; MACROTHROMBOCYTOPENIA, NEPHRITIS, AND DEAFNESS. Identifiers: Orphanet 182050, MedGen C5200934, MONDO:0015912, OMIM 155100.

Allele frequency attached by ClinVar (database versions not stated): gnomAD 0.00001 and 0.00005; TOPMed 0.00001; gnomAD exomes 0.00009 and 0.00012; ExAC 0.00020; 1000 Genomes Project 0.00040; 1000 Genomes Project 30x 0.00062.
gnomAD v4.1: 140 of 1,614,114 alleles (0.0087%); highest among the groups gnomAD compares: South Asian, 0.11%; no homozygotes.

Submissions (5):

Labcorp Genetics (formerly Invitae), Labcorp
Classification: Benign. Last evaluated: 2024-12-22. Review status: criteria provided, single submitter. Criteria: Invitae Variant Classification Sherloc (09022015). Collection method: clinical testing. Allele origin: germline.

Blueprint Genetics
Classification: Benign. Last evaluated: 2024-10-28. Review status: criteria provided, single submitter. Criteria: ACMG Guidelines, 2015. Collection method: clinical testing. Allele origin: germline.

Fulgent Genetics
Classification: Likely benign for Macrothrombocytopenia and granulocyte inclusions with or without nephritis or sensorineural hearing loss; Autosomal dominant nonsyndromic hearing loss 17. Last evaluated: 2021-08-06. Review status: criteria provided, single submitter. Criteria: ACMG Guidelines, 2015. Collection method: clinical testing. Allele origin: unknown.

GeneDx
Classification: Likely benign. Last evaluated: 2018-06-12. Review status: criteria provided, single submitter. Criteria: GeneDx Variant Classification (06012015). Collection method: clinical testing. Allele origin: germline. Affected: yes.
Comment: This variant is considered likely benign or benign based on one or more of the following criteria: it is a conservative change, it occurs at a poorly conserved position in the protein, it is predicted to be benign by multiple in silico algorithms, and/or has population frequency not consistent with disease.

PreventionGenetics, part of Exact Sciences
Classification: Likely benign. Review status: criteria provided, single submitter. Criteria: ACMG Guidelines, 2015. Collection method: clinical testing. Allele origin: germline.